The following is an entry in ClinVar:

ClinVar aggregate classification (germline): Pathogenic/Likely pathogenic. Review status: criteria provided, multiple submitters, no conflicts (2 of 4 stars). 2 submissions from 2 submitters: Pathogenic (1); Likely pathogenic (1). Last evaluated 2025-09-25.

Conditions:
Very long chain acyl-CoA dehydrogenase deficiency (ACADVLD). Also called: Very Long-Chain Acyl-Coenzyme A Dehydrogenase Deficiency; VLCAD Deficiency. Identifiers: Orphanet 26793, MedGen C3887523, MONDO:0008723, OMIM 201475.

Submissions (2):

Labcorp Genetics (formerly Invitae), Labcorp
Classification: Pathogenic for Very long chain acyl-CoA dehydrogenase deficiency. Last evaluated: 2025-09-25. Review status: criteria provided, single submitter. Criteria: Invitae Variant Classification Sherloc (09022015). Collection method: clinical testing. Allele origin: germline.
Comment: This sequence change creates a premature translational stop signal (p.Gln435*) in the ACADVL gene. It is expected to result in an absent or disrupted protein product. Loss-of-function variants in ACADVL are known to be pathogenic (PMID: 9973285, 11590124). This variant is not present in population databases (gnomAD no frequency). This variant has not been reported in the literature in individuals affected with ACADVL-related conditions. Algorithms developed to predict the effect of sequence changes on RNA splicing suggest that this variant may disrupt the consensus splice site. For these reasons, this variant has been classified as Pathogenic.

Natera, Inc.
Classification: Likely pathogenic for Very long chain acyl-CoA dehydrogenase deficiency. Last evaluated: 2025-02-11. Review status: criteria provided, single submitter. Criteria: Natera Variant Classification Schema (03/2026). Collection method: clinical testing. Allele origin: germline.
Comment: The c.1303C>T variant in ACADVL is a nonsense variant predicted to introduce a stop codon at amino acid 435. This variant is expected to result in nonsense mediated decay, truncation, or a dysfunctional protein product. This variant is rare in the general population with a frequency below the threshold expected for the associated phenotype(s). Given the available evidence, this variant is classified as Likely Pathogenic.

Literature cited by the submitters: PubMed 9973285 (cited by Labcorp Genetics (formerly Invitae), Labcorp); PubMed 11590124 (cited by Labcorp Genetics (formerly Invitae), Labcorp).

NM_000018.4(ACADVL):c.1303C>T (p.Gln435Ter)

Gene: ACADVL (acyl-CoA dehydrogenase very long chain; plus strand). Cytogenetic location: 17p13.1.
Variant type: single nucleotide variant.
Coding change: c.1303C>T on transcript NM_000018.4 (MANE Select); coding-DNA position 1303, C replaced by T.
Protein change: p.Gln435Ter; replaces glutamine 435 with a stop codon.
Molecular consequence: nonsense.
Genome position (GRCh38, 1-based): chr17:7,223,846, C>T. VCF-style: chr17-7223846-C-T. GRCh37 (hg19) VCF-style: chr17-7127165-C-T.
Other names: c.1237C>T, p.Gln413Ter (NM_001033859.3); c.1372C>T, p.Gln458Ter (NM_001270447.2); c.1075C>T, p.Gln359Ter (NM_001270448.2); c.1303C>T (NM_000018.3); short protein forms Q359*, Q413*, Q458*, Q435*.
Identifiers: ClinVar variation 4727858 (VCV004727858.2).